The following is an entry in ClinVar:

NM_024757.5(EHMT1):c.1685_1709dup (p.Leu571fs)

Gene: EHMT1 (euchromatic histone lysine methyltransferase 1; plus strand). Cytogenetic location: 9q34.3.
Variant type: Duplication.
Coding change: c.1685_1709dup on transcript NM_024757.5 (MANE Select); coding-DNA positions 1685 to 1709, 25 bases duplicated (TGATGCGCCCCTCCAACAAGGCCCC).
Protein change: p.Leu571fs; shifts the reading frame from leucine 571.
Molecular consequence: frameshift variant.
Genome position (GRCh38, 1-based): chr9:137,775,146-137,775,170, TGATGCGCCCCTCCAACAAGGCCCC duplicated; duplicating any 25 consecutive bases within chr9:137,775,145-137,775,170 gives the same sequence; the c. name uses the placement nearest the transcript's 3' end. VCF-style (leftmost placement, unchanged base first): chr9-137775144-G-GCTGATGCGCCCCTCCAACAAGGCCC. GRCh37 (hg19) VCF-style: chr9-140669596-G-GCTGATGCGCCCCTCCAACAAGGCCC.
Other names: c.1685_1709dup, p.Leu571fs (NM_001145527.2); c.1592_1616dup, p.Leu540fs (NM_001354259.2); c.1664_1688dup, p.Leu564fs (NM_001354263.2); short protein forms L571fs, L540fs, L564fs.
Identifiers: ClinVar variation 817325 (VCV000817325.1), dbSNP rs1588642071, ClinGen allele CA915945840.

ClinVar aggregate classification (germline): Pathogenic (1 of 4 stars; one submission).

Submission:

GeneDx
Classification: Pathogenic. Last evaluated: 2018-11-19. Review status: criteria provided, single submitter. Criteria: GeneDx Variant Classification (06012015). Collection method: clinical testing. Allele origin: germline. Affected: yes.
Comment: The c.1685_1709dup25 pathogenic variant in the EHMT1 gene causes a frameshift starting with codon Leucine 571, changes this amino acid to an Aspartate residue and creates a premature Stop codon at position 14 of the new reading frame, denoted p.Leu571AspfsX14. This pathogenic variant is predicted to cause loss of normal protein function either through protein truncation or nonsense-mediated mRNA decay. The c.1685_1709dup25 variant is not observed in large population cohorts (Lek et al., 2016).